The following is an entry in ClinVar:

NM_000548.5(TSC2):c.3116C>T (p.Thr1039Met)

Gene: TSC2 (TSC complex subunit 2; plus strand). Cytogenetic location: 16p13.3.
Variant type: single nucleotide variant.
Coding change: c.3116C>T on transcript NM_000548.5 (MANE Select); coding-DNA position 3116, C replaced by T.
Protein change: p.Thr1039Met; replaces threonine 1039 with methionine.
Molecular consequence: missense variant.
Genome position (GRCh38, 1-based): chr16:2,079,181, C>T. VCF-style: chr16-2079181-C-T. GRCh37 (hg19) VCF-style: chr16-2129182-C-T.
Other names: c.2984C>T, p.Thr995Met (NM_001077183.3, NM_001370404.1); c.3116C>T, p.Thr1039Met (NM_001114382.3); c.2876C>T, p.Thr959Met (NM_001318827.2); c.2840C>T, p.Thr947Met (NM_001318829.2); c.2384C>T, p.Thr795Met (NM_001318831.2); c.3017C>T, p.Thr1006Met (NM_001318832.2); c.2987C>T, p.Thr996Met (NM_001363528.2, NM_001370405.1, NM_021055.3); short protein forms T1039M, T947M, T995M, T1006M, T959M, T795M, T996M.
Identifiers: ClinVar variation 650591 (VCV000650591.17), dbSNP rs1596382895, ClinGen allele CA394284894.
Genomic context (GRCh38, chr16:2,079,181, plus strand): 5'-ACCTGGAGCTCACGGAAACCTGTCTGGACATGATGGCTCGATACGTCTTCTCCAACTTCA[C>T]GGCTGTCCCGAAGAGGTCCAGGCGGCACTACAGGGCTGGGCGGGCCTGCGGGAGCTCCAC-3'
Protein context (NP_000539.2, residues 1029-1049): MMARYVFSNF[Thr1039Met]AVPKRSPVGE

ClinVar aggregate classification (germline): Conflicting classifications of pathogenicity. Review status: criteria provided, conflicting classifications (1 of 4 stars). 7 submissions from 7 submitters: Uncertain significance (6); Benign (1). Last evaluated 2025-09-23.

Conditions:
Hereditary cancer-predisposing syndrome. Also called: Neoplastic Syndromes, Hereditary; Hereditary Cancer Syndrome; Tumor predisposition; Hereditary neoplastic syndrome. Identifiers: Orphanet 140162, MedGen C0027672, MeSH D009386, MONDO:0015356.
Tuberous sclerosis syndrome (TSC). Also called: Tuberous Sclerosis Complex; Tuberous sclerosis. Identifiers: Orphanet 805, MedGen C0041341, MONDO:0001734.
Tuberous sclerosis 2 (TSC2). Identifiers: Orphanet 805, MedGen C1860707, MONDO:0013199, OMIM 613254.
Isolated focal cortical dysplasia type II (FCORD2). Also called: Focal cortical dysplasia type II; CORTICAL DYSPLASIA OF TAYLOR. Identifiers: Orphanet 268994, MedGen C1846385, MONDO:0011818, OMIM 607341, HP:0032051.
Lymphangiomyomatosis (LAM). Also called: Lymphangioleiomyomatosis; Lymphangioleiomyomatosis, somatic. Identifiers: Orphanet 538, MedGen C0751674, MONDO:0011705, OMIM 606690.

Allele frequency attached by ClinVar (database versions not stated): gnomAD exomes below 0.00001.
gnomAD v4.1: 6 of 1,612,936 alleles (0.00037%); highest among the groups gnomAD compares: South Asian, 0.0011%; no homozygotes.

Submissions (7):

Color Diagnostics, LLC DBA Color Health
Classification: Uncertain significance for Tuberous sclerosis syndrome. Last evaluated: 2025-09-23. Review status: criteria provided, single submitter. Criteria: ACMG Guidelines, 2015. Collection method: clinical testing. Allele origin: germline.
Comment: This missense variant replaces threonine with methionine at codon 1039 of the TSC2 protein. Computational prediction is inconclusive regarding the impact of this variant on protein structure and function. To our knowledge, functional studies have not been reported for this variant. This variant has not been reported in individuals affected with TSC2-related disorders in the literature. This variant has not been identified in the general population by the Genome Aggregation Database (gnomAD). The available evidence is insufficient to determine the role of this variant in disease conclusively. Therefore, this variant is classified as a Variant of Uncertain Significance.

Labcorp Genetics (formerly Invitae), Labcorp
Classification: Benign for Tuberous sclerosis 2. Last evaluated: 2025-08-04. Review status: criteria provided, single submitter. Criteria: Invitae Variant Classification Sherloc (09022015). Collection method: clinical testing. Allele origin: germline.

GeneDx
Classification: Uncertain significance. Last evaluated: 2025-01-30. Review status: criteria provided, single submitter. Criteria: GeneDx Variant Classification Process June 2021. Collection method: clinical testing. Allele origin: germline. Affected: yes.
Comment: Not observed at significant frequency in large population cohorts (gnomAD); In silico analysis supports that this missense variant has a deleterious effect on protein structure/function; Has not been previously published as pathogenic or benign to our knowledge

Ambry Genetics
Classification: Uncertain significance for Hereditary cancer-predisposing syndrome. Last evaluated: 2024-12-31. Review status: criteria provided, single submitter. Criteria: Ambry Variant Classification Scheme 2023. Collection method: clinical testing. Allele origin: germline.
Comment: The p.T1039M variant (also known as c.3116C>T), located in coding exon 26 of the TSC2 gene, results from a C to T substitution at nucleotide position 3116. The threonine at codon 1039 is replaced by methionine, an amino acid with similar properties. This amino acid position is not well conserved in available vertebrate species. In addition, this alteration is predicted to be deleterious by in silico analysis. Based on the available evidence, the clinical significance of this variant remains unclear.

All of Us Research Program, National Institutes of Health
Classification: Uncertain significance for Tuberous sclerosis syndrome. Last evaluated: 2023-04-27. Review status: criteria provided, single submitter. Criteria: ACMG Guidelines, 2015. Collection method: clinical testing. Allele origin: germline. Inheritance: Autosomal dominant inheritance. Observed: 1 variant allele, 1 heterozygote.
Comment: This study involves interpretation of variants in research participants for the purpose of population health screening. Participant phenotype was not available at the time of variant classification. Additional details can be found in publication PMID: 35346344, PMCID: PMC8962531

Fulgent Genetics
Classification: Uncertain significance for Lymphangiomyomatosis; Isolated focal cortical dysplasia type II; Tuberous sclerosis 2. Last evaluated: 2022-05-03. Review status: criteria provided, single submitter. Criteria: ACMG Guidelines, 2015. Collection method: clinical testing. Allele origin: unknown.

Blueprint Genetics
Classification: Uncertain significance. Last evaluated: 2019-03-27. Review status: criteria provided, single submitter. Criteria: ACMG Guidelines, 2015. Collection method: clinical testing. Allele origin: germline.